The following is an entry in ClinVar:

NM_006736.6(DNAJB2):c.65+1G>A

Gene: DNAJB2 (DnaJ heat shock protein family (Hsp40) member B2; plus strand). Cytogenetic location: 2q35.
Variant type: single nucleotide variant.
Coding change: c.65+1G>A on transcript NM_006736.6 (MANE Select); the canonical splice donor site of the intron after coding-DNA position 65, G replaced by A.
Molecular consequence: splice donor variant.
Genome position (GRCh38, 1-based): chr2:219,279,899, G>A. VCF-style: chr2-219279899-G-A. GRCh37 (hg19) VCF-style: chr2-220144621-G-A.
Other names: c.65+1G>A (NM_001039550.2).
Identifiers: ClinVar variation 1709938 (VCV001709938.3), dbSNP rs1951889033, ClinGen allele CA350646246.

ClinVar aggregate classification (germline): Likely pathogenic. Review status: criteria provided, multiple submitters, no conflicts (2 of 4 stars). 2 submissions from 2 submitters: Likely pathogenic (2). Last evaluated 2025-05-26.

Conditions:
Neuronopathy, distal hereditary motor, autosomal recessive 5. Also called: NEUROPATHY, DISTAL HEREDITARY MOTOR, AUTOSOMAL RECESSIVE 5; Young adult-onset distal hereditary motor neuropathy; Spinal muscular atrophy, distal, autosomal recessive, 5. Identifiers: Orphanet 314485, Orphanet 443950, MedGen C4749918, MONDO:0013947, OMIM 614881.

Allele frequency attached by ClinVar (database versions not stated): gnomAD 0.00001.
gnomAD v4.1: 1 of 1,613,730 alleles (0.000062%); highest among the groups gnomAD compares: African/African-American, 0.0013%; no homozygotes.

Submissions (2):

First Genomix Gene Laboratory, Genetic Diagnostics Department
Classification: Likely pathogenic for Neuronopathy, distal hereditary motor, autosomal recessive 5. Last evaluated: 2025-05-26. Review status: criteria provided, single submitter. Criteria: ACMG Guidelines, 2015. Collection method: clinical testing. Allele origin: germline. Inheritance: Autosomal recessive inheritance. Affected: no. Observed: 1 variant allele.

MGZ Medical Genetics Center
Classification: Likely pathogenic for Neuronopathy, distal hereditary motor, autosomal recessive 5. Last evaluated: 2021-09-01. Review status: criteria provided, single submitter. Criteria: ACMG Guidelines, 2015. Collection method: clinical testing. Allele origin: germline. Affected: yes. Observed: 1 variant allele.
Comment: ACMG criteria applied: PVS1, PM2_SUP